The following is an entry in ClinVar:

ClinVar aggregate classification (germline): Uncertain significance. Review status: criteria provided, multiple submitters, no conflicts (2 of 4 stars). 3 submissions from 3 submitters: Uncertain significance (3). Last evaluated 2025-07-21.

Conditions:
Familial cancer of breast. Also called: BREAST CANCER, FAMILIAL; Hereditary breast cancer; hereditary breast carcinoma. Identifiers: Orphanet 227535, MedGen C0346153, MONDO:0016419, OMIM 114480. Disease mechanism: loss of function.
Hereditary cancer-predisposing syndrome. Also called: Neoplastic Syndromes, Hereditary; Tumor predisposition; Hereditary Cancer Syndrome; Hereditary neoplastic syndrome. Identifiers: Orphanet 140162, MedGen C0027672, MeSH D009386, MONDO:0015356.

Allele frequency attached by ClinVar (database versions not stated): gnomAD exomes below 0.00001.
gnomAD v4.1: 3 of 1,611,580 alleles (0.00019%); highest among the groups gnomAD compares: Non-Finnish European, 0.000085%; no homozygotes.

Submissions (3):

Ambry Genetics
Classification: Uncertain significance for Hereditary cancer-predisposing syndrome. Last evaluated: 2025-07-21. Review status: criteria provided, single submitter. Criteria: Ambry Variant Classification Scheme 2023. Collection method: clinical testing. Allele origin: germline.
Comment: The c.159-3C>T intronic variant results from a C to T substitution 3 nucleotides upstream from coding exon 2 in the BARD1 gene. This nucleotide position is well conserved in available vertebrate species. In silico splice site analysis for this alteration is inconclusive. Based on the available evidence, the clinical significance of this variant remains unclear.

Color Diagnostics, LLC DBA Color Health
Classification: Uncertain significance for Hereditary cancer-predisposing syndrome. Last evaluated: 2023-12-21. Review status: criteria provided, single submitter. Criteria: ACMG Guidelines, 2015. Collection method: clinical testing. Allele origin: germline.
Comment: This variant causes a C to T nucleotide substitution at the -3 position of intron 1 of the BARD1 gene. To our knowledge, functional studies have not been reported for this variant. This variant has not been reported in individuals affected with BARD1-related disorders in the literature. This variant has not been identified in the general population by the Genome Aggregation Database (gnomAD). The available evidence is insufficient to determine the role of this variant in disease conclusively. Therefore, this variant is classified as a Variant of Uncertain Significance.

Labcorp Genetics (formerly Invitae), Labcorp
Classification: Uncertain significance for Familial cancer of breast. Last evaluated: 2021-01-19. Review status: criteria provided, single submitter. Criteria: Invitae Variant Classification Sherloc (09022015). Collection method: clinical testing. Allele origin: germline.
Comment: This sequence change falls in intron 1 of the BARD1 gene. It does not directly change the encoded amino acid sequence of the BARD1 protein, but it affects a nucleotide within the consensus splice site of the intron. This variant is not present in population databases (ExAC no frequency). This variant has not been reported in the literature in individuals with BARD1-related conditions. Nucleotide substitutions within the consensus splice site are a relatively common cause of aberrant splicing (PMID: 17576681, 9536098). Algorithms developed to predict the effect of sequence changes on RNA splicing suggest that this variant may disrupt the consensus splice site, but this prediction has not been confirmed by published transcriptional studies. In summary, the available evidence is currently insufficient to determine the role of this variant in disease. Therefore, it has been classified as a Variant of Uncertain Significance.

Literature cited by the submitters: PubMed 17576681 (cited by Labcorp Genetics (formerly Invitae), Labcorp); PubMed 9536098 (cited by Labcorp Genetics (formerly Invitae), Labcorp).

NM_000465.4(BARD1):c.159-3C>T

Gene: BARD1 (BRCA1 associated RING domain 1; minus strand). Cytogenetic location: 2q35.
Variant type: single nucleotide variant.
Coding change: c.159-3C>T on transcript NM_000465.4 (MANE Select); 3 bases into the intron before coding-DNA position 159, C replaced by T.
Molecular consequence: intron variant.
Genome position (GRCh38, 1-based): chr2:214,797,120, G>A on the plus strand (C>T on the coding strand, the complement: BARD1 is on the minus strand). VCF-style: chr2-214797120-G-A. GRCh37 (hg19) VCF-style: chr2-215661844-G-A.
Other names: c.158+12292C>T (NM_001282548.2); c.159-4675C>T (NM_001282543.2); c.159-3C>T (NM_001282545.2, NM_001282549.2, NM_000465.2).
Identifiers: ClinVar variation 925947 (VCV000925947.16), dbSNP rs1695796591, ClinGen allele CA913188053.